The following is an entry in ClinVar:

ClinVar aggregate classification (germline): Uncertain significance (1 of 4 stars; one submission).

gnomAD v4.1: 1 of 1,614,126 alleles (0.000062%); no homozygotes.

Submission:

GeneDx
Classification: Uncertain significance. Last evaluated: 2026-01-24. Review status: criteria provided, single submitter. Criteria: GeneDx Variant Classification Process June 2021. Collection method: clinical testing. Allele origin: germline.
Comment: Not observed at significant frequency in large population cohorts (gnomAD); In silico analysis suggests that this missense variant does not alter protein structure/function; Has not been previously published as pathogenic or benign to our knowledge

NM_013450.4(BAZ2B):c.4802C>T (p.Pro1601Leu)

Genes: BAZ2B (bromodomain adjacent to zinc finger domain 2B; minus strand), LOC126806390 (CDK7 strongly-dependent group 2 enhancer GRCh37_chr2:160205700-160206899; plus strand). Cytogenetic location: 2q24.2.
Variant type: single nucleotide variant.
Coding change: c.4802C>T on transcript NM_013450.4 (MANE Select); coding-DNA position 4802, C replaced by T.
Protein change: p.Pro1601Leu; replaces proline 1601 with leucine.
Molecular consequence: missense variant.
Genome position (GRCh38, 1-based): chr2:159,349,769, G>A on the plus strand (C>T on the coding strand, the complement: BAZ2B is on the minus strand). VCF-style: chr2-159349769-G-A. GRCh37 (hg19) VCF-style: chr2-160206280-G-A.
Other names: c.4694C>T, p.Pro1565Leu (NM_001289975.1); c.4640C>T, p.Pro1547Leu (NM_001329857.2); c.4727C>T, p.Pro1576Leu (NM_001329858.2); short protein forms P1547L, P1565L, P1576L, P1601L.
Identifiers: ClinVar variation 4975333 (VCV004975333.1).
Genomic context (GRCh38, chr2:159,349,769, plus strand): 5'-TGAAGAGGTGATAAAGCAAATGGATTTAAGCCAACAGGATTCTGAGCAGAAGATCCAAGA[G>A]GAGCTGGGGTAGGTGAAGGTGACTTAGATGGTGGCTGAGACTGAGGAGTCACCAAAGAAG-3'
Protein context (NP_038478.2, residues 1591-1611): PSKSPSPTPA[Pro1601Leu]LGSSAQNPVG